The following is an entry in ClinVar:

NM_020320.5(RARS2):c.1144delinsATT (p.Gly382fs)

Gene: RARS2 (arginyl-tRNA synthetase 2, mitochondrial; minus strand). Cytogenetic location: 6q15.
Variant type: Indel.
Coding change: c.1144delinsATT on transcript NM_020320.5 (MANE Select); coding-DNA position 1144, G replaced by ATT.
Protein change: p.Gly382fs; shifts the reading frame from glycine 382.
Molecular consequence: frameshift variant. On other transcripts: non-coding transcript variant (23).
Genome position (GRCh38, 1-based): chr6:87,519,676, C replaced by AAT on the plus strand (G replaced by ATT on the coding strand, the reverse complement: RARS2 is on the minus strand). VCF-style: chr6-87519676-C-AAT. GRCh37 (hg19) VCF-style: chr6-88229394-C-AAT.
Other names: c.619delinsATT, p.Gly207fs (NM_001318785.2, NM_001350506.2, NM_001350507.2 and 4 more transcripts); c.1144delinsATT, p.Gly382fs (NM_001350505.2); short protein forms G382fs, G207fs.
Identifiers: ClinVar variation 970302 (VCV000970302.5), dbSNP rs1773204992, ClinGen allele CA1139659737.

ClinVar aggregate classification (germline): Pathogenic (1 of 4 stars; one submission).

Submission:

Labcorp Genetics (formerly Invitae), Labcorp
Classification: Pathogenic. Last evaluated: 2020-08-25. Review status: criteria provided, single submitter. Criteria: Invitae Variant Classification Sherloc (09022015). Collection method: clinical testing. Allele origin: germline.
Comment: Loss-of-function variants in RARS2 are known to be pathogenic (PMID: 17847012, 22569581, 26083569). This sequence change creates a premature translational stop signal (p.Gly382Ilefs*18) in the RARS2 gene. It is expected to result in an absent or disrupted protein product. This variant is not present in population databases (ExAC no frequency). This variant has not been reported in the literature in individuals with RARS2-related conditions. For these reasons, this variant has been classified as Pathogenic.

Literature cited by the submitters: PubMed 17847012; PubMed 22569581; PubMed 26083569.